The following is an entry in ClinVar:

NM_024577.4(SH3TC2):c.3509A>G (p.His1170Arg)

Gene: SH3TC2 (SH3 domain and tetratricopeptide repeats 2; minus strand). Cytogenetic location: 5q32.
Variant type: single nucleotide variant.
Coding change: c.3509A>G on transcript NM_024577.4 (MANE Select); coding-DNA position 3509, A replaced by G.
Protein change: p.His1170Arg; replaces histidine 1170 with arginine.
Molecular consequence: missense variant.
Genome position (GRCh38, 1-based): chr5:149,007,047, T>C on the plus strand (A>G on the coding strand, the complement: SH3TC2 is on the minus strand). VCF-style: chr5-149007047-T-C. GRCh37 (hg19) VCF-style: chr5-148386610-T-C.
Other names: short protein forms H1170R.
Identifiers: ClinVar variation 1732134 (VCV001732134.2), dbSNP rs763837815, ClinGen allele CA3498697.

ClinVar aggregate classification (germline): Uncertain significance (1 of 4 stars; one submission).

Conditions:
Inborn genetic diseases. Identifiers: MedGen C0950123, MeSH D030342.

Allele frequency attached by ClinVar (database versions not stated): gnomAD exomes below 0.00001; TOPMed below 0.00001; ExAC 0.00001.
gnomAD v4.1: 3 of 1,614,094 alleles (0.00019%); highest among the groups gnomAD compares: Non-Finnish European, 0.00025%; no homozygotes.

Submission:

Ambry Genetics
Classification: Uncertain significance for Inborn genetic diseases. Last evaluated: 2022-03-17. Review status: criteria provided, single submitter. Criteria: Ambry Variant Classification Scheme 2023. Collection method: clinical testing. Allele origin: germline.
Comment: The p.H1170R variant (also known as c.3509A>G), located in coding exon 16 of the SH3TC2 gene, results from an A to G substitution at nucleotide position 3509. The histidine at codon 1170 is replaced by arginine, an amino acid with highly similar properties. This amino acid position is conserved. In addition, this alteration is predicted to be deleterious by in silico analysis. Since supporting evidence is limited at this time, the clinical significance of this alteration remains unclear.